The following is an entry in ClinVar:

NM_001035.3(RYR2):c.13594G>A (p.Glu4532Lys)

Gene: RYR2 (ryanodine receptor 2; plus strand). Cytogenetic location: 1q43.
Variant type: single nucleotide variant.
Coding change: c.13594G>A on transcript NM_001035.3 (MANE Select); coding-DNA position 13594, G replaced by A.
Protein change: p.Glu4532Lys; replaces glutamic acid 4532 with lysine.
Molecular consequence: missense variant.
Genome position (GRCh38, 1-based): chr1:237,792,135, G>A. VCF-style: chr1-237792135-G-A. GRCh37 (hg19) VCF-style: chr1-237955435-G-A.
Other names: short protein forms E4532K.
Identifiers: ClinVar variation 3071991 (VCV003071991.1), dbSNP rs2527918947, ClinGen allele CA345417316.

ClinVar aggregate classification (germline): Uncertain significance (1 of 4 stars; one submission).

Conditions:
Catecholaminergic polymorphic ventricular tachycardia (CVPT). Also called: Catecholamine-induced polymorphic ventricular tachycardia. Identifiers: Orphanet 3286, MedGen C5574922, MONDO:0017990.

Submission:

All of Us Research Program, National Institutes of Health
Classification: Uncertain significance for Catecholaminergic polymorphic ventricular tachycardia. Last evaluated: 2023-06-26. Review status: criteria provided, single submitter. Criteria: ACMG Guidelines, 2015. Collection method: clinical testing. Allele origin: germline. Inheritance: Autosomal dominant inheritance. Observed: 1 variant allele, 1 heterozygote.
Comment: This missense variant replaces glutamic acid with lysine at codon 4532 of the RYR2 protein. Computational prediction suggests that this variant may not impact protein structure and function (internally defined REVEL score threshold <= 0.5, PMID: 27666373). To our knowledge, functional studies have not been reported for this variant. This variant has not been reported in individuals affected with RYR2-related disorders in the literature. This variant has not been identified in the general population by the Genome Aggregation Database (gnomAD). The available evidence is insufficient to determine the role of this variant in disease conclusively. Therefore, this variant is classified as a Variant of Uncertain Significance.

This study involves interpretation of variants in research participants for the purpose of population health screening. Participant phenotype was not available at the time of variant classification. Additional details can be found in publication PMID: 35346344, PMCID: PMC8962531